The following is an entry in ClinVar:

NM_015021.3(ZNF292):c.5998_6008del (p.Ser2000fs)

Gene: ZNF292 (zinc finger protein 292; plus strand). Cytogenetic location: 6q14.3.
Variant type: Deletion.
Coding change: c.5998_6008del on transcript NM_015021.3 (MANE Select); coding-DNA positions 5998 to 6008, 11 bases deleted (TCACGAAGTAC).
Protein change: p.Ser2000fs; shifts the reading frame from serine 2000.
Molecular consequence: frameshift variant.
Genome position (GRCh38, 1-based): chr6:87,259,627-87,259,637, TCACGAAGTAC deleted; deleting any 11 consecutive bases within chr6:87,259,626-87,259,637 gives the same sequence; the c. name uses the placement nearest the transcript's 3' end. VCF-style (leftmost placement, unchanged base first): chr6-87259625-CCTCACGAAGTA-C. GRCh37 (hg19) VCF-style: chr6-87969343-CCTCACGAAGTA-C.
Other names: c.5578_5588del, p.Ser1860fs (NM_001351444.2); short protein forms S1860fs, S2000fs.
Identifiers: ClinVar variation 1683669 (VCV001683669.2), dbSNP rs2127871067, ClinGen allele CA2573141288.

ClinVar aggregate classification (germline): Likely pathogenic (1 of 4 stars; one submission).

Conditions:
Intellectual developmental disorder, autosomal dominant 64. Also called: MENTAL RETARDATION, AUTOSOMAL DOMINANT 64. Identifiers: MedGen C5543067, MONDO:0030934, OMIM 619188.

Submission:

Laboratorio de Genetica e Diagnostico Molecular, Hospital Israelita Albert Einstein
Classification: Likely pathogenic for Intellectual developmental disorder, autosomal dominant 64. Last evaluated: 2022-01-05. Review status: criteria provided, single submitter. Criteria: ACMG Guidelines, 2015. Collection method: clinical testing. Allele origin: germline. Affected: yes.
Comment: ACMG classification criteria: PVS1 strong, PM2 moderate